The following is an entry in ClinVar:

ClinVar aggregate classification (germline): Benign/Likely benign. Review status: criteria provided, multiple submitters, no conflicts (2 of 4 stars). 3 submissions from 3 submitters: Benign (2); Likely benign (1). Last evaluated 2025-08-02.

Allele frequency attached by ClinVar (database versions not stated): gnomAD exomes 0.00066 and 0.00181; ExAC 0.00232; gnomAD 0.00695 and 0.00751; TOPMed 0.00779; ESP Exome Variant Server 0.00869; 1000 Genomes Project 0.00879; 1000 Genomes Project 30x 0.00968.
gnomAD v4.1: 2,070 of 1,610,476 alleles (0.13%); highest among the groups gnomAD compares: African/African-American, 2.4%; 19 homozygotes.

Submissions (3):

Labcorp Genetics (formerly Invitae), Labcorp
Classification: Benign. Last evaluated: 2025-08-02. Review status: criteria provided, single submitter. Criteria: Invitae Variant Classification Sherloc (09022015). Collection method: clinical testing. Allele origin: germline.

Athena Diagnostics
Classification: Benign. Last evaluated: 2024-11-18. Review status: criteria provided, single submitter. Criteria: Athena Diagnostics Criteria. Collection method: clinical testing. Allele origin: unknown.

GeneDx
Classification: Likely benign. Last evaluated: 2022-02-08. Review status: criteria provided, single submitter. Criteria: GeneDx Variant Classification Process June 2021. Collection method: clinical testing. Allele origin: germline. Affected: yes.
Comment: See Variant Classification Assertion Criteria.

Literature cited by the submitters: PubMed 32348865 (cited by Athena Diagnostics); PubMed 19146831 (cited by Athena Diagnostics).

NM_001278064.2(GRM1):c.3107G>T (p.Gly1036Val)

Gene: GRM1 (glutamate metabotropic receptor 1; plus strand). Cytogenetic location: 6q24.3.
Variant type: single nucleotide variant.
Coding change: c.3107G>T on transcript NM_001278064.2 (MANE Select); coding-DNA position 3107, G replaced by T.
Protein change: p.Gly1036Val; replaces glycine 1036 with valine.
Molecular consequence: missense variant. On other transcripts: 3 prime UTR variant (3).
Genome position (GRCh38, 1-based): chr6:146,434,318, G>T. VCF-style: chr6-146434318-G-T. GRCh37 (hg19) VCF-style: chr6-146755454-G-T.
Other names: c.*471G>T (NM_001278065.2); c.*436G>T (NM_001278066.1); c.*345G>T (NM_001278067.1); short protein forms G1036V.
Identifiers: ClinVar variation 789752 (VCV000789752.12), dbSNP rs144944927, ClinGen allele CA4037610.